The following is an entry in ClinVar:

ClinVar aggregate classification (germline): Uncertain significance (1 of 4 stars; one submission).

Conditions:
Compton-North congenital myopathy (CMYO12). Identifiers: Orphanet 210163, MedGen C2675527, MONDO:0012929, OMIM 612540.

gnomAD v4.1: 3 of 1,614,084 alleles (0.00019%); highest among the groups gnomAD compares: East Asian, 0.0045%; no homozygotes.

Submission:

Labcorp Genetics (formerly Invitae), Labcorp
Classification: Uncertain significance for Compton-North congenital myopathy. Last evaluated: 2022-03-04. Review status: criteria provided, single submitter. Criteria: Invitae Variant Classification Sherloc (09022015). Collection method: clinical testing. Allele origin: germline.
Comment: This sequence change replaces proline, which is neutral and non-polar, with arginine, which is basic and polar, at codon 762 of the CNTN1 protein (p.Pro762Arg). This variant is not present in population databases (gnomAD no frequency). This variant has not been reported in the literature in individuals affected with CNTN1-related conditions. Advanced modeling of protein sequence and biophysical properties (such as structural, functional, and spatial information, amino acid conservation, physicochemical variation, residue mobility, and thermodynamic stability) performed at Invitae indicates that this missense variant is not expected to disrupt CNTN1 protein function. In summary, the available evidence is currently insufficient to determine the role of this variant in disease. Therefore, it has been classified as a Variant of Uncertain Significance.

NM_001843.4(CNTN1):c.2285C>G (p.Pro762Arg)

Gene: CNTN1 (contactin 1; plus strand). Cytogenetic location: 12q12.
Variant type: single nucleotide variant.
Coding change: c.2285C>G on transcript NM_001843.4 (MANE Select); coding-DNA position 2285, C replaced by G.
Protein change: p.Pro762Arg; replaces proline 762 with arginine.
Molecular consequence: missense variant.
Genome position (GRCh38, 1-based): chr12:41,016,782, C>G. VCF-style: chr12-41016782-C-G. GRCh37 (hg19) VCF-style: chr12-41410584-C-G.
Other names: c.2252C>G, p.Pro751Arg (NM_175038.2); short protein forms P762R, P751R.
Identifiers: ClinVar variation 1896476 (VCV001896476.5), dbSNP rs1592409142, ClinGen allele CA384586831.